The following is an entry in ClinVar:

NM_020461.4(TUBGCP6):c.1320dup (p.Gln441fs)

Gene: TUBGCP6 (tubulin gamma complex component 6; minus strand). Cytogenetic location: 22q13.33.
Variant type: Duplication.
Coding change: c.1320dup on transcript NM_020461.4 (MANE Select); coding-DNA position 1320, one base duplicated (G; older notation c.1320dupG).
Protein change: p.Gln441fs; shifts the reading frame from glutamine 441.
Molecular consequence: frameshift variant.
Genome position (GRCh38, 1-based): chr22:50,227,999, C duplicated on the plus strand (G on the coding strand, the reverse complement: TUBGCP6 is on the minus strand). VCF-style (leftmost placement, unchanged base first): chr22-50227998-G-GC. GRCh37 (hg19) VCF-style: chr22-50666427-G-GC.
Other names: short protein forms Q441fs.
Identifiers: ClinVar variation 1428766 (VCV001428766.6), dbSNP rs2147191670, ClinGen allele CA2573158255.
Genomic context (GRCh38, chr22:50,227,998, plus strand): 5'-AACCAATGGTGAGGAGGCTCAGGGTGGGCGGAGTGGAAAGGACGCAGGCCCGGTAATACT[G>GC]CAGGTACCTCCTCAGGCCACTGGTGAAGGCCTGTGGGCAAAGAGGCTGGGAGGAGGGCGG-3'

ClinVar aggregate classification (germline): Pathogenic (1 of 4 stars; one submission).

Submission:

Labcorp Genetics (formerly Invitae), Labcorp
Classification: Pathogenic. Last evaluated: 2021-03-11. Review status: criteria provided, single submitter. Criteria: Invitae Variant Classification Sherloc (09022015). Collection method: clinical testing. Allele origin: germline.
Comment: This sequence change creates a premature translational stop signal (p.Gln441Alafs*126) in the TUBGCP6 gene. It is expected to result in an absent or disrupted protein product. Loss-of-function variants in TUBGCP6 are known to be pathogenic (PMID: 25344692). This variant is not present in population databases (ExAC no frequency). This variant has not been reported in the literature in individuals with TUBGCP6-related conditions. For these reasons, this variant has been classified as Pathogenic.

Literature cited by the submitters: PubMed 25344692.